The following is an entry in ClinVar:

NM_003139.4(SRPRA):c.1447G>A (p.Gly483Ser)

Gene: SRPRA (SRP receptor subunit alpha; minus strand). Cytogenetic location: 11q24.2.
Variant type: single nucleotide variant.
Coding change: c.1447G>A on transcript NM_003139.4 (MANE Select); coding-DNA position 1447, G replaced by A.
Protein change: p.Gly483Ser; replaces glycine 483 with serine.
Molecular consequence: missense variant.
Genome position (GRCh38, 1-based): chr11:126,265,037, C>T on the plus strand (G>A on the coding strand, the complement: SRPRA is on the minus strand). VCF-style: chr11-126265037-C-T. GRCh37 (hg19) VCF-style: chr11-126134932-C-T.
Other names: c.1363G>A, p.Gly455Ser (NM_001177842.2); short protein forms G455S, G483S.
Identifiers: ClinVar variation 3344203 (VCV003344203.1).

ClinVar aggregate classification (germline): Uncertain significance (0 of 4 stars; one submission).

Conditions:
SRPRA-related disorder. Also called: SRPRA-related condition.

Submission:

PreventionGenetics, part of Exact Sciences
Classification: Uncertain significance for SRPRA-related condition. Last evaluated: 2024-09-26. Review status: no assertion criteria provided. Collection method: clinical testing. Allele origin: germline.
Comment: The SRPRA c.1447G>A variant is predicted to result in the amino acid substitution p.Gly483Ser. To our knowledge, this variant has not been reported in the literature or in a large population database, indicating this variant is rare. At this time, the clinical significance of this variant is uncertain due to the absence of conclusive functional and genetic evidence.